The following is an entry in ClinVar:

ClinVar aggregate classification (germline): Likely pathogenic (1 of 4 stars; one submission).

Conditions:
alpha Thalassemia. Also called: Alpha thalassemia spectrum. Identifiers: Orphanet 846, MedGen C0002312, MONDO:0011399, OMIM 604131.

Submission:

Natera, Inc.
Classification: Likely pathogenic for Alpha thalassemia. Last evaluated: 2025-10-12. Review status: criteria provided, single submitter. Criteria: Natera Variant Classification Schema (03/2026). Collection method: clinical testing. Allele origin: germline.
Comment: The c.157dup variant in HBA2 is a frameshift variant predicted to shift the reading frame beginning at codon 53 and leads to a stop codon 5 codons downstream. This variant is expected to result in nonsense mediated decay, truncation, or a dysfunctional protein product. This variant is rare in the general population with a frequency below the threshold expected for the associated phenotype(s). Given the available evidence, this variant is classified as Likely Pathogenic.

NM_000517.6(HBA2):c.157dup (p.Ser53fs)

Genes: HBA2 (hemoglobin subunit alpha 2; plus strand), LOC106804612 (hemoglobin subunit alpha 2 recombination region; plus strand). Cytogenetic location: 16p13.3.
Variant type: Duplication.
Coding change: c.157dup on transcript NM_000517.6 (MANE Select); coding-DNA position 157, one base duplicated (T; older notation c.157dupT).
Protein change: p.Ser53fs; shifts the reading frame from serine 53.
Molecular consequence: frameshift variant.
Genome position (GRCh38, 1-based): chr16:173,186, T duplicated. VCF-style (leftmost placement, unchanged base first): chr16-173185-C-CT. GRCh37 (hg19) VCF-style: chr16-223184-C-CT.
Other names: short protein forms S53fs.
Identifiers: ClinVar variation 4818630 (VCV004818630.1).